The following is an entry in ClinVar:

ClinVar aggregate classification (germline): Uncertain significance (1 of 4 stars; one submission).

Conditions:
Neuropathy, hereditary sensory and autonomic, type 2A (HSAN2A). Also called: HSAN IIA; WNK1-Related HSAN2 (HSAN2A); ACROOSTEOLYSIS, GIACCAI TYPE; ACROOSTEOLYSIS, NEUROGENIC; MORVAN DISEASE; NEUROPATHY, CONGENITAL SENSORY. Identifiers: Orphanet 970, MedGen C2752089, MONDO:0024309, OMIM 201300.
Pseudohypoaldosteronism type 2C (PHA2C). Also called: Pseudohypoaldosteronism Type IIC. Identifiers: Orphanet 757, Orphanet 88940, MedGen C1840391, MONDO:0013778, OMIM 614492.

Allele frequency attached by ClinVar (database versions not stated): gnomAD exomes below 0.00001; gnomAD 0.00001.
gnomAD v4.1: 4 of 1,608,858 alleles (0.00025%); highest among the groups gnomAD compares: Admixed American, 0.0017%; no homozygotes.

Submission:

Labcorp Genetics (formerly Invitae), Labcorp
Classification: Uncertain significance for Neuropathy, hereditary sensory and autonomic, type 2A; Pseudohypoaldosteronism type 2C. Last evaluated: 2023-02-21. Review status: criteria provided, single submitter. Criteria: Invitae Variant Classification Sherloc (09022015). Collection method: clinical testing. Allele origin: germline.
Comment: This variant has not been reported in the literature in individuals affected with WNK1-related conditions. This sequence change replaces leucine, which is neutral and non-polar, with proline, which is neutral and non-polar, at codon 2293 of the WNK1 protein (p.Leu2293Pro). This variant is not present in population databases (gnomAD no frequency). Advanced modeling of protein sequence and biophysical properties (such as structural, functional, and spatial information, amino acid conservation, physicochemical variation, residue mobility, and thermodynamic stability) performed at Invitae indicates that this missense variant is not expected to disrupt WNK1 protein function. In summary, the available evidence is currently insufficient to determine the role of this variant in disease. Therefore, it has been classified as a Variant of Uncertain Significance.

NM_018979.4(WNK1):c.6122T>C (p.Leu2041Pro)

Gene: WNK1 (WNK lysine deficient protein kinase 1; plus strand). Cytogenetic location: 12p13.33.
Variant type: single nucleotide variant.
Coding change: c.6122T>C on transcript NM_018979.4 (MANE Select); coding-DNA position 6122, T replaced by C.
Protein change: p.Leu2041Pro; replaces leucine 2041 with proline.
Molecular consequence: missense variant.
Genome position (GRCh38, 1-based): chr12:896,609, T>C. VCF-style: chr12-896609-T-C. GRCh37 (hg19) VCF-style: chr12-1005775-T-C.
Other names: c.6902T>C, p.Leu2301Pro (NM_001184985.2); c.5378T>C, p.Leu1793Pro (NM_014823.3); c.6878T>C, p.Leu2293Pro (NM_213655.5); short protein forms L2293P, L2301P, L2041P, L1793P.
Identifiers: ClinVar variation 2924025 (VCV002924025.3), dbSNP rs938554647, ClinGen allele CA231486836.